The following is an entry in ClinVar:

ClinVar aggregate classification (germline): Benign. Review status: criteria provided, multiple submitters, no conflicts (2 of 4 stars). 3 submissions from 3 submitters: Benign (2). 1 of the submissions does not count toward it. Last evaluated 2024-11-01.

Conditions:
DNHD1-related disorder. Also called: DNHD1-related condition.

Allele frequency attached by ClinVar (database versions not stated): gnomAD 0.00002 and 0.00061; TOPMed 0.00017; gnomAD exomes 0.00104 and 0.00289; 1000 Genomes Project 30x 0.00625; 1000 Genomes Project 0.00659; ExAC 0.00796.
gnomAD v4.1: 1,558 of 1,551,808 alleles (0.1%); highest among the groups gnomAD compares: South Asian, 1.7%; 30 homozygotes.

Submissions (3):

CeGaT Center for Human Genetics Tuebingen
Classification: Benign. Last evaluated: 2024-11-01. Review status: criteria provided, single submitter. Criteria: CeGaT Center For Human Genetics Tuebingen Variant Classification Criteria Version 2. Collection method: clinical testing. Allele origin: germline. Affected: yes. Observed: 1 variant allele.
Comment: DNHD1: BP4, BP7, BS1, BS2

Labcorp Genetics (formerly Invitae), Labcorp
Classification: Benign. Last evaluated: 2019-12-31. Review status: criteria provided, single submitter. Criteria: Invitae Variant Classification Sherloc (09022015). Collection method: clinical testing. Allele origin: germline.

PreventionGenetics, part of Exact Sciences
Classification: Benign for DNHD1-related condition. Last evaluated: 2019-04-09. Review status: no assertion criteria provided. Collection method: clinical testing. Allele origin: germline. Not counted in ClinVar's aggregate classification.
Comment: This variant is classified as benign based on ACMG/AMP sequence variant interpretation guidelines (Richards et al. 2015 PMID: 25741868, with internal and published modifications).

NM_144666.3(DNHD1):c.4908G>A (p.Ala1636=)

Gene: DNHD1 (dynein heavy chain domain 1; plus strand). Cytogenetic location: 11p15.4.
Variant type: single nucleotide variant.
Coding change: c.4908G>A on transcript NM_144666.3 (MANE Select); coding-DNA position 4908, G replaced by A.
Protein change: p.Ala1636=; no amino-acid change (alanine 1636 retained).
Molecular consequence: synonymous variant.
Genome position (GRCh38, 1-based): chr11:6,545,847, G>A. VCF-style: chr11-6545847-G-A. GRCh37 (hg19) VCF-style: chr11-6567077-G-A.
Identifiers: ClinVar variation 726521 (VCV000726521.20), dbSNP rs200820770, ClinGen allele CA5856024.